The following is an entry in ClinVar:

ClinVar aggregate classification (germline): Benign/Likely benign. Review status: criteria provided, multiple submitters, no conflicts (2 of 4 stars). 5 submissions from 5 submitters: Benign (4); Likely benign (1). Last evaluated 2026-05-11.

Conditions:
Laron-type isolated somatotropin defect. Also called: GROWTH HORMONE RECEPTOR DEFICIENCY; Laron Syndrome; Growth hormone binding protein deficiency or dysfunction; Growth hormone receptor deficiency or dysfunction; Laron dwarfism; Laron type pituitary dwarfism I. Identifiers: Orphanet 633, MedGen C0271568, MONDO:0009877, OMIM 262500.

Allele frequency attached by ClinVar (database versions not stated): 1000 Genomes Project 30x 0.01093; gnomAD exomes 0.00083 and 0.00236; ExAC 0.00284; gnomAD 0.00992 and 0.00925; 1000 Genomes Project 0.01018; TOPMed 0.01029; ESP Exome Variant Server 0.01084.
gnomAD v4.1: 2,655 of 1,614,098 alleles (0.16%); highest among the groups gnomAD compares: African/African-American, 3.2%; 42 homozygotes.

Submissions (5):

Women's Health and Genetics/Laboratory Corporation of America, LabCorp
Classification: Likely benign. Last evaluated: 2026-05-11. Review status: criteria provided, single submitter. Criteria: LabCorp Variant Classification Summary - May 2015. Collection method: clinical testing. Allele origin: germline.

Labcorp Genetics (formerly Invitae), Labcorp
Classification: Benign. Last evaluated: 2026-02-03. Review status: criteria provided, single submitter. Criteria: Invitae Variant Classification Sherloc (09022015). Collection method: clinical testing. Allele origin: germline.

Illumina Laboratory Services, Illumina
Classification: Benign for Laron-type isolated somatotropin defect. Last evaluated: 2018-01-13. Review status: criteria provided, single submitter. Criteria: ICSL Variant Classification Criteria 13 December 2019. Collection method: clinical testing. Allele origin: germline.
Comment: This variant was observed in the ICSL laboratory as part of a predisposition screen in an ostensibly healthy population. It had not been previously curated by ICSL or reported in the Human Gene Mutation Database (HGMD: prior to June 1st, 2018), and was therefore a candidate for classification through an automated scoring system. Utilizing variant allele frequency, disease prevalence and penetrance estimates, and inheritance mode, an automated score was calculated to assess if this variant is too frequent to cause the disease. Based on the score and internal cut-off values, a variant classified as benign is not then subjected to further curation. The score for this variant resulted in a classification of benign for this disease.

Breakthrough Genomics
Classification: Benign. Review status: criteria provided, single submitter. Criteria: ACMG Guidelines, 2015. Collection method: not provided. Allele origin: germline. Inheritance: Autosomal recessive inheritance. Affected: yes.

PreventionGenetics, part of Exact Sciences
Classification: Benign. Review status: criteria provided, single submitter. Criteria: ACMG Guidelines, 2015. Collection method: clinical testing. Allele origin: germline.

NM_000163.5(GHR):c.1098A>G (p.Leu366=)

Gene: GHR (growth hormone receptor; plus strand). Cytogenetic location: 5p12.
Variant type: single nucleotide variant.
Coding change: c.1098A>G on transcript NM_000163.5 (MANE Select); coding-DNA position 1098, A replaced by G.
Protein change: p.Leu366=; no amino-acid change (leucine 366 retained).
Molecular consequence: synonymous variant. On other transcripts: 3 prime UTR variant (1).
Genome position (GRCh38, 1-based): chr5:42,718,605, A>G. VCF-style: chr5-42718605-A-G. GRCh37 (hg19) VCF-style: chr5-42718707-A-G.
Other names: c.1119A>G, p.Leu373= (NM_001242399.2); c.1098A>G, p.Leu366= (NM_001242400.2, NM_001242401.4, NM_001242402.2 and 4 more transcripts); c.1032A>G, p.Leu344= (NM_001242460.2); c.*140A>G (NM_001242462.1).
Identifiers: ClinVar variation 255402 (VCV000255402.17), dbSNP rs116466139, ClinGen allele CA3254589.
Genomic context (GRCh38, chr5:42,718,605, plus strand): 5'-TGAGCTAGATATTGATGAGCCAGATGAAAAGACTGAGGAATCAGACACAGACAGACTTCT[A>G]AGCAGTGACCATGAGAAATCACATAGTAACCTAGGGGTGAAGGATGGCGACTCTGGACGT-3'
Protein context (NP_000154.1, residues 356-376): KTEESDTDRL[Leu366=]SSDHEKSHSN